The following is an entry in ClinVar:

ClinVar aggregate classification (germline): Uncertain significance (1 of 4 stars; one submission).

Allele frequency attached by ClinVar (database versions not stated): TOPMed below 0.00001.

Submission:

GeneDx
Classification: Uncertain significance. Last evaluated: 2022-01-11. Review status: criteria provided, single submitter. Criteria: GeneDx Variant Classification Process June 2021. Collection method: clinical testing. Allele origin: germline. Affected: yes.
Comment: Not observed at significant frequency in large population cohorts (gnomAD); In silico analysis supports that this missense variant has a deleterious effect on protein structure/function; Has not been previously published as pathogenic or benign to our knowledge

NM_021098.3(CACNA1H):c.4028T>C (p.Met1343Thr)

Gene: CACNA1H (calcium voltage-gated channel subunit alpha1 H; plus strand). Cytogenetic location: 16p13.3.
Variant type: single nucleotide variant.
Coding change: c.4028T>C on transcript NM_021098.3 (MANE Select); coding-DNA position 4028, T replaced by C.
Protein change: p.Met1343Thr; replaces methionine 1343 with threonine.
Molecular consequence: missense variant.
Genome position (GRCh38, 1-based): chr16:1,210,641, T>C. VCF-style: chr16-1210641-T-C. GRCh37 (hg19) VCF-style: chr16-1260641-T-C.
Other names: c.4028T>C, p.Met1343Thr (NM_001005407.2); short protein forms M1343T.
Identifiers: ClinVar variation 1695884 (VCV001695884.2), dbSNP rs1377984024, ClinGen allele CA394177651.